The following is an entry in ClinVar:

NM_001170629.2(CHD8):c.7506CCATCACCA[1] (p.His2506_His2508del)

Gene: CHD8 (chromodomain helicase DNA binding protein 8; minus strand). Cytogenetic location: 14q11.2.
Variant type: Microsatellite.
Coding change: c.7506CCATCACCA[1] on transcript NM_001170629.2 (MANE Select); one copy of the 9-base unit CCATCACCA starting at c.7506; the reference has two copies in a row; one copy, 9 bases deleted.
Protein change: p.His2506_His2508del.
Molecular consequence: inframe deletion.
Genome position (GRCh38, 1-based): chr14:21,385,836-21,385,844, TGGTGATGG deleted on the plus strand (CCATCACCA on the coding strand, the reverse complement: CHD8 is on the minus strand); deleting any 9 consecutive bases within chr14:21,385,836-21,385,856 gives the same sequence; the position shown is the placement nearest the transcript's 3' end. VCF-style (leftmost placement, unchanged base first): chr14-21385835-ATGGTGATGG-A. GRCh37 (hg19) VCF-style: chr14-21853994-ATGGTGATGG-A.
Other names: c.6669CCATCACCA[1], p.His2227_His2229del (NM_020920.4).
Identifiers: ClinVar variation 4739023 (VCV004739023.1).
Genomic context (GRCh38, chr14:21,385,835, plus strand): 5'-GGTAGTACCAGAGGCGGTAGTCACTGGTGAAGAGGGGTAGCCAGGGGCTCTCAAGCCTGG[ATGGTGATGG>A]TGGTGATGGTGGGGGTGGGGGTGGTGGTGGTGGTGATGAAGCATGGTGCTGGAGTCTACA-3'

ClinVar aggregate classification (germline): Uncertain significance (1 of 4 stars; one submission).

Submission:

Labcorp Genetics (formerly Invitae), Labcorp
Classification: Uncertain significance. Last evaluated: 2025-08-09. Review status: criteria provided, single submitter. Criteria: Invitae Variant Classification Sherloc (09022015). Collection method: clinical testing. Allele origin: germline.
Comment: This variant, c.7515_7523del, results in the deletion of 3 amino acid(s) of the CHD8 protein (p.His2506_His2508del), but otherwise preserves the integrity of the reading frame. The frequency data for this variant in the population databases is considered unreliable, as metrics indicate poor data quality at this position in the gnomAD database. This variant has not been reported in the literature in individuals affected with CHD8-related conditions. Experimental studies and prediction algorithms are not available or were not evaluated, and the functional significance of this variant is currently unknown. In summary, the available evidence is currently insufficient to determine the role of this variant in disease. Therefore, it has been classified as a Variant of Uncertain Significance.